The following is an entry in ClinVar:

NM_001297.5(CNGB1):c.-47A>G

Gene: CNGB1 (cyclic nucleotide gated channel subunit beta 1; minus strand). Cytogenetic location: 16q21.
Variant type: single nucleotide variant.
Coding change: c.-47A>G on transcript NM_001297.5 (MANE Select); 47 bases upstream of the start codon, A replaced by G.
Molecular consequence: 5 prime UTR variant.
Genome position (GRCh38, 1-based): chr16:57,971,098, T>C on the plus strand (A>G on the coding strand, the complement: CNGB1 is on the minus strand). VCF-style: chr16-57971098-T-C. GRCh37 (hg19) VCF-style: chr16-58005002-T-C.
Other names: c.-47A>G (NM_001135639.2, NM_001286130.2).
Identifiers: ClinVar variation 320116 (VCV000320116.36), dbSNP rs186471030, ClinGen allele CA10647888.
Genomic context (GRCh38, chr16:57,971,098, plus strand): 5'-CCTCCACCTCACCCTGAGTTACCTGCTTAGATGCCAACCGCCAGCCAGGAATTGCCTTCT[T>C]GCTGCCACTCGTAGCTGGCCCCTCAGACACAAGGAAGATTAATTGGCAGTAGCTGGGCCG-3'

ClinVar aggregate classification (germline): Conflicting classifications of pathogenicity. Review status: criteria provided, conflicting classifications (1 of 4 stars). 3 submissions from 3 submitters: Uncertain significance (1); Likely benign (2). Last evaluated 2022-11-01.

Conditions:
Retinitis pigmentosa (RP). Identifiers: Orphanet 791, MedGen C0035334, MeSH D012174, MONDO:0019200, OMIM 268000. Inheritance: Autosomal dominant, autosomal recessive and X linked inheritance.

Allele frequency attached by ClinVar (database versions not stated): 1000 Genomes Project 30x 0.00265; 1000 Genomes Project 0.00280; TOPMed 0.00434; gnomAD 0.00460 and 0.00462; gnomAD exomes 0.01786.
gnomAD v4.1: 698 of 152,400 alleles (0.46%); highest among the groups gnomAD compares: Middle Eastern, 1.4%; 7 homozygotes.

Submissions (3):

CeGaT Center for Human Genetics Tuebingen
Classification: Likely benign. Last evaluated: 2022-11-01. Review status: criteria provided, single submitter. Criteria: CeGaT Center For Human Genetics Tuebingen Variant Classification Criteria Version 2. Collection method: clinical testing. Allele origin: germline. Affected: yes. Observed: 1 variant allele.
Comment: CNGB1: BS2

ARUP Laboratories, Molecular Genetics and Genomics, ARUP Laboratories
Classification: Likely benign. Last evaluated: 2018-05-06. Review status: criteria provided, single submitter. Criteria: ARUP Molecular Germline Variant Investigation Process. Collection method: clinical testing. Allele origin: germline.
Comment: The CNGB1 c.-47A>G variant (rs186471030), to our knowledge, is not reported in the medical literature or in gene-specific databases. The variant is listed in the ClinVar database (Variation ID: 320116) and in the Genome Aggregation Database with an overall allele frequency of 0.4% (130/30960 alleles). This is an intronic variant that occurs before the translational start, the nucleotide at this position is not conserved, only humans have an A nucleotide at this position, and computational analysis (Alamut v.2.11) predict this variant does not alter splicing. Considering available information, this variant is classified as likely benign.

Illumina Laboratory Services, Illumina
Classification: Uncertain significance for Retinitis pigmentosa. Last evaluated: 2018-01-13. Review status: criteria provided, single submitter. Criteria: ICSL Variant Classification Criteria 13 December 2019. Collection method: clinical testing. Allele origin: germline.